The following is an entry in ClinVar:

ClinVar aggregate classification (germline): Pathogenic. Review status: criteria provided, multiple submitters, no conflicts (2 of 4 stars). 8 submissions from 8 submitters: Pathogenic (6). 2 of the submissions do not count toward it. Last evaluated 2025-03-17.

Conditions:
X-linked intellectual disability Cabezas type (MRXSC). Also called: MENTAL RETARDATION, X-LINKED, SYNDROMIC 15; CABEZAS SYNDROME; Intellectual developmental disorder, X-linked syndromic, Cabezas type. Identifiers: Orphanet 85289, Orphanet 85293, MedGen C1845861, MONDO:0010306, OMIM 300354.

Submissions (8):

GeneDx
Classification: Pathogenic. Last evaluated: 2025-03-17. Review status: criteria provided, single submitter. Criteria: GeneDx Variant Classification Process June 2021. Collection method: clinical testing. Allele origin: germline. Affected: yes.
Comment: Frameshift variant predicted to result in protein truncation or nonsense mediated decay in a gene for which loss-of-function is a known mechanism of disease; Not observed at significant frequency in large population cohorts (gnomAD); This variant is associated with the following publications: (PMID: 33057194, 19377476, 20064923, 25385192, 17236139, 31069529, 38113761, 38331954, 39984621)

Revvity Omics, Revvity
Classification: Pathogenic for X-linked intellectual disability Cabezas type. Last evaluated: 2024-06-05. Review status: criteria provided, single submitter. Criteria: ACMG Guidelines, 2015. Collection method: clinical testing. Allele origin: germline.

Institute of Human Genetics, University of Leipzig Medical Center
Classification: Pathogenic for X-linked intellectual disability Cabezas type. Last evaluated: 2023-11-20. Review status: criteria provided, single submitter. Criteria: ACMG Guidelines, 2015. Collection method: clinical testing. Allele origin: unknown. Affected: yes.
Comment: Criteria applied: PVS1,PS2,PS4_MOD,PM2_SUP

3billion
Classification: Pathogenic for X-linked intellectual disability Cabezas type. Last evaluated: 2022-09-01. Review status: criteria provided, single submitter. Criteria: ACMG Guidelines, 2015. Collection method: clinical testing. Allele origin: germline. Affected: yes. Observed: 1 hemizygote.
Comment: The variant is not observed in the gnomAD v2.1.1 dataset. Frameshift variant is predicted to result in a loss or disruption of normal protein function through nonsense-mediated decay (NMD) or protein truncation. Multiple pathogenic variants are reported downstream of the variant. The variant has been reported at least twice as pathogenic without evidence for the classification (ClinVar ID: VCV000426723 / PMID: 17236139). Therefore, this variant is classified as Pathogenic according to the recommendation of ACMG/AMP guideline.

Equipe Genetique des Anomalies du Developpement, Université de Bourgogne
Classification: Pathogenic for X-linked intellectual disability Cabezas type. Last evaluated: 2017-04-01. Review status: criteria provided, single submitter. Criteria: ACMG Guidelines, 2015. Collection method: clinical testing. Allele origin: de novo. Affected: yes.

Juno Genomics, Hangzhou Juno Genomics, Inc
Classification: Pathogenic for X-linked intellectual disability Cabezas type. Review status: criteria provided, single submitter. Criteria: ACMG Guidelines, 2015. Collection method: clinical testing. Allele origin: germline. Affected: yes.
Comment: Absent from controls (or at extremely low frequency if recessive) in Genome Aggregation Database, Exome Sequencing Project, 1000 Genomes Project, or Exome Aggregation Consortium.;Null variant in a gene where loss of function (LOF) is a known mechanism of disease.;The prevalence of the variant in affected individuals is significantly increased compared to the prevalence in controls.;Co-segregation with disease in multiple affected family members in a gene definitively known to cause the disease.

Pediatric Genetics Clinic, Sheba Medical Center
Classification: Pathogenic for X-linked intellectual disability Cabezas type. Last evaluated: 2021-05-13. Review status: no assertion criteria provided. Collection method: clinical testing. Allele origin: de novo. Affected: yes. Observed: 1 hemizygote. Not counted in ClinVar's aggregate classification.

Developmental and Behavioral Pediatrics, First Affiliated Hospital of Jilin University
Classification: Pathogenic for X-linked intellectual disability Cabezas type. Review status: no assertion criteria provided. Collection method: clinical testing. Allele origin: maternal. Not counted in ClinVar's aggregate classification.

Literature cited by the submitters: PubMed 17236139 (cited by 3billion).

NM_001079872.2(CUL4B):c.953_957del (p.Ile318fs)

Gene: CUL4B (cullin 4B; minus strand). Cytogenetic location: Xq24.
Variant type: Deletion.
Coding change: c.953_957del on transcript NM_001079872.2 (MANE Select); coding-DNA positions 953 to 957, 5 bases deleted (TTATA; older notation c.953_957delTTATA).
Protein change: p.Ile318fs; shifts the reading frame from isoleucine 318.
Molecular consequence: frameshift variant.
Genome position (GRCh38, 1-based): chrX:120,544,607-120,544,611, TATAA deleted on the plus strand (TTATA on the coding strand, the reverse complement: CUL4B is on the minus strand); deleting any 5 consecutive bases within chrX:120,544,607-120,544,614 gives the same sequence; the c. name uses the placement nearest the transcript's 3' end. VCF-style (leftmost placement, unchanged base first): chrX-120544606-TTATAA-T. GRCh37 (hg19) VCF-style: chrX-119678461-TTATAA-T.
Other names: c.1007_1011delTTATA (NM_003588.4, NM_003588.3); c.968_972del, p.Ile323fs (NM_001330624.2); c.419_423del, p.Ile140fs (NM_001369145.1); c.1007_1011del, p.Ile336fs (NM_003588.4); c.1007_1011del (NM_003588.3); short protein forms I318fs, I323fs, I336fs, I140fs.
Identifiers: ClinVar variation 426723 (VCV000426723.38), dbSNP rs1085307760, ClinGen allele CA645294134.